The following is an entry in ClinVar:

ClinVar aggregate classification (germline): Pathogenic (1 of 4 stars; one submission).

Conditions:
Primary ciliary dyskinesia 3. Identifiers: Orphanet 244, MedGen C1837618, MONDO:0012085, OMIM 608644.

Submission:

Myriad Genetics, Inc.
Classification: Pathogenic for Primary ciliary dyskinesia 3. Last evaluated: 2023-11-04. Review status: criteria provided, single submitter. Criteria: Myriad Autosomal Dominant, Autosomal Recessive and X-Linked Classification Criteria (2023). Collection method: clinical testing. Allele origin: unknown.
Comment: NM_001369.2(DNAH5):c.3988G>T(E1330*) is expected to be pathogenic in the context of primary ciliary dyskinesia, DNAH5-related. This variant is predicted to lead to an abnormal or absent protein product due to the creation of a premature termination codon in DNAH5, a gene where loss-of-function variants are known to be pathogenic. Please note: this variant was assessed in the context of healthy population screening.

NM_001369.3(DNAH5):c.3988G>T (p.Glu1330Ter)

Genes: DNAH5 (dynein axonemal heavy chain 5; minus strand), DNAH5-AS1 (DNAH5 antisense RNA 1; plus strand). Cytogenetic location: 5p15.2.
Variant type: single nucleotide variant.
Coding change: c.3988G>T on transcript NM_001369.3 (MANE Select); coding-DNA position 3988, G replaced by T.
Protein change: p.Glu1330Ter; replaces glutamic acid 1330 with a stop codon.
Molecular consequence: nonsense.
Genome position (GRCh38, 1-based): chr5:13,867,839, C>A on the plus strand (G>T on the coding strand, the complement: DNAH5 is on the minus strand). VCF-style: chr5-13867839-C-A. GRCh37 (hg19) VCF-style: chr5-13867948-C-A.
Other names: short protein forms E1330*.
Identifiers: ClinVar variation 5012457 (VCV005012457.1).